The following is an entry in ClinVar:

ClinVar aggregate classification (germline): Uncertain significance. Review status: criteria provided, multiple submitters, no conflicts (2 of 4 stars). 2 submissions from 2 submitters: Uncertain significance (2). Last evaluated 2026-04-02.

Conditions:
Inborn genetic diseases. Identifiers: MedGen C0950123, MeSH D030342.

Submissions (2):

Ambry Genetics
Classification: Uncertain significance for Inborn genetic diseases. Last evaluated: 2026-04-02. Review status: criteria provided, single submitter. Criteria: Ambry Variant Classification Scheme 2023. Collection method: clinical testing. Allele origin: germline.
Comment: The p.A958E variant (also known as c.2873C>A), located in coding exon 30 of the FANCA gene, results from a C to A substitution at nucleotide position 2873. The alanine at codon 958 is replaced by glutamic acid, an amino acid with dissimilar properties. This amino acid position is conserved. In addition, this alteration is predicted to be deleterious by in silico analysis. Based on the available evidence, the clinical significance of this variant remains unclear.

Blueprint Genetics
Classification: Uncertain significance. Last evaluated: 2018-06-12. Review status: criteria provided, single submitter. Criteria: ACMG Guidelines, 2015. Collection method: clinical testing. Allele origin: germline.

NM_000135.4(FANCA):c.2873C>A (p.Ala958Glu)

Gene: FANCA (FA complementation group A; minus strand). Cytogenetic location: 16q24.3.
Variant type: single nucleotide variant.
Coding change: c.2873C>A on transcript NM_000135.4 (MANE Select); coding-DNA position 2873, C replaced by A.
Protein change: p.Ala958Glu; replaces alanine 958 with glutamic acid.
Molecular consequence: missense variant.
Genome position (GRCh38, 1-based): chr16:89,758,685, G>T on the plus strand (C>A on the coding strand, the complement: FANCA is on the minus strand). VCF-style: chr16-89758685-G-T. GRCh37 (hg19) VCF-style: chr16-89825093-G-T.
Other names: c.2873C>A, p.Ala958Glu (NM_001286167.3); short protein forms A958E.
Identifiers: ClinVar variation 4870812 (VCV004870812.2).
Genomic context (GRCh38, chr16:89,758,685, plus strand): 5'-TGCAGGTCTCCGTCACAGCCCCCTGAAGCCGAGGACTCAGGGAGAAAGTGCTCATGGATC[G>T]CCCACTGGTGGAAGTCCTGCCTAGAACAGCAAACACTGCTATCAATTCTGAGAAATGCTT-3'
Protein context (NP_000126.2, residues 948-968): DTERQDFHQW[Ala958Glu]IHEHFLPESS